The following is an entry in ClinVar:

NM_181672.3(OGT):c.2173T>A (p.Ser725Thr)

Gene: OGT (O-linked N-acetylglucosamine (GlcNAc) transferase; plus strand). Cytogenetic location: Xq13.1.
Variant type: single nucleotide variant.
Coding change: c.2173T>A on transcript NM_181672.3 (MANE Select); coding-DNA position 2173, T replaced by A.
Protein change: p.Ser725Thr; replaces serine 725 with threonine.
Molecular consequence: missense variant.
Genome position (GRCh38, 1-based): chrX:71,563,154, T>A. VCF-style: chrX-71563154-T-A. GRCh37 (hg19) VCF-style: chrX-70783004-T-A.
Other names: c.2143T>A, p.Ser715Thr (NM_181673.3); short protein forms S715T, S725T.
Identifiers: ClinVar variation 3901787 (VCV003901787.2).

ClinVar aggregate classification (germline): Uncertain significance (1 of 4 stars; one submission).

Submission:

GeneDx
Classification: Uncertain significance. Last evaluated: 2026-02-25. Review status: criteria provided, single submitter. Criteria: GeneDx Variant Classification Process June 2021. Collection method: clinical testing. Allele origin: germline. Affected: yes.
Comment: Not observed at significant frequency in large population cohorts (gnomAD); In silico analysis suggests that this missense variant does not alter protein structure/function; Has not been previously published as pathogenic or benign to our knowledge